The following is an entry in ClinVar:

ClinVar aggregate classification (germline): Pathogenic/Likely pathogenic. Review status: criteria provided, multiple submitters, no conflicts (2 of 4 stars). 2 submissions from 2 submitters: Pathogenic (1); Likely pathogenic (1). Last evaluated 2024-05-15.

Conditions:
Atransferrinemia. Also called: Familial hypotransferrinemia. Identifiers: Orphanet 1195, MedGen C0521802, MONDO:0008846, OMIM 209300, HP:0012239.

gnomAD v4.1: 13 of 1,613,996 alleles (0.00081%); highest among the groups gnomAD compares: African/African-American, 0.0053%; no homozygotes.

Submissions (2):

Myriad Genetics, Inc.
Classification: Pathogenic for Atransferrinemia. Last evaluated: 2024-05-15. Review status: criteria provided, single submitter. Criteria: Myriad Autosomal Dominant, Autosomal Recessive and X-Linked Classification Criteria (2023). Collection method: clinical testing. Allele origin: unknown.
Comment: NM_001063.3(TF):c.817C>T(R273*) is expected to be pathogenic in the context of atransferrinemia. This variant is predicted to lead to an abnormal or absent protein product due to the creation of a premature termination codon in TF, a gene where loss-of-function variants are known to be pathogenic. Please note: this variant was assessed in the context of healthy population screening.

Fulgent Genetics
Classification: Likely pathogenic for Atransferrinemia. Last evaluated: 2024-04-23. Review status: criteria provided, single submitter. Criteria: ACMG Guidelines, 2015. Collection method: clinical testing. Allele origin: germline.

NM_001063.4(TF):c.817C>T (p.Arg273Ter)

Gene: TF (transferrin; plus strand). Cytogenetic location: 3q22.1.
Variant type: single nucleotide variant.
Coding change: c.817C>T on transcript NM_001063.4 (MANE Select); coding-DNA position 817, C replaced by T.
Protein change: p.Arg273Ter; replaces arginine 273 with a stop codon.
Molecular consequence: nonsense.
Genome position (GRCh38, 1-based): chr3:133,756,956, C>T. VCF-style: chr3-133756956-C-T. GRCh37 (hg19) VCF-style: chr3-133475800-C-T.
Other names: c.685C>T, p.Arg229Ter (NM_001354703.2); c.436C>T, p.Arg146Ter (NM_001354704.2); short protein forms R146*, R273*, R229*.
Identifiers: ClinVar variation 3588599 (VCV003588599.2).
Genomic context (GRCh38, chr3:133,756,956, plus strand): 5'-CCGGTAGATGAATACAAGGACTGCCACTTGGCCCAGGTCCCTTCTCATACCGTCGTGGCC[C>T]GAAGTATGGGCGGCAAGGAGGACTTGATCTGGGAGCTTCTCAACCAGGCCCAGGTATCCC-3'